The following is an entry in ClinVar:

ClinVar aggregate classification (germline): Likely benign. Review status: criteria provided, single submitter (1 of 4 stars). 2 submissions from 2 submitters: Likely benign (1). 1 of the submissions does not count toward it. Last evaluated 2024-01-18.

Conditions:
Hereditary spastic paraplegia 73. Also called: Spastic paraplegia 73, autosomal dominant. Identifiers: Orphanet 444099, MedGen C5568981, MONDO:0014568, OMIM 616282.
CPT1C-related disorder. Also called: CPT1C-related condition.

Allele frequency attached by ClinVar (database versions not stated): gnomAD 0.00005; gnomAD exomes 0.00005; ExAC 0.00010; ESP Exome Variant Server 0.00015; TOPMed 0.00017.
gnomAD v4.1: 82 of 1,533,600 alleles (0.0053%); highest among the groups gnomAD compares: African/African-American, 0.028%; no homozygotes.

Submissions (2):

Labcorp Genetics (formerly Invitae), Labcorp
Classification: Likely benign for Hereditary spastic paraplegia 73. Last evaluated: 2024-01-18. Review status: criteria provided, single submitter. Criteria: Invitae Variant Classification Sherloc (09022015). Collection method: clinical testing. Allele origin: germline.

PreventionGenetics, part of Exact Sciences
Classification: Likely benign for CPT1C-related condition. Last evaluated: 2019-08-28. Review status: no assertion criteria provided. Collection method: clinical testing. Allele origin: germline. Not counted in ClinVar's aggregate classification.
Comment: This variant is classified as likely benign based on ACMG/AMP sequence variant interpretation guidelines (Richards et al. 2015 PMID: 25741868, with internal and published modifications).

NM_001199753.2(CPT1C):c.1167G>A (p.Thr389=)

Gene: CPT1C (carnitine palmitoyltransferase 1C; plus strand). Cytogenetic location: 19q13.33.
Variant type: single nucleotide variant.
Coding change: c.1167G>A on transcript NM_001199753.2 (MANE Select); coding-DNA position 1167, G replaced by A.
Protein change: p.Thr389=; no amino-acid change (threonine 389 retained).
Molecular consequence: synonymous variant. On other transcripts: non-coding transcript variant (1).
Genome position (GRCh38, 1-based): chr19:49,706,237, G>A. VCF-style: chr19-49706237-G-A. GRCh37 (hg19) VCF-style: chr19-50209494-G-A.
Other names: c.1134G>A, p.Thr378= (NM_001136052.3, NM_001378485.1, NM_001378487.1); c.1167G>A, p.Thr389= (NM_001199752.3, NM_001378483.1, NM_001378484.1 and 3 more transcripts); c.1233G>A, p.Thr411= (NM_001378482.1); c.1134G>A (NM_001136052.2).
Identifiers: ClinVar variation 2866399 (VCV002866399.5), dbSNP rs145807606, ClinGen allele CA9582112.